The following is an entry in ClinVar:

NM_030624.3(KLHL15):c.746G>A (p.Arg249His)

Gene: KLHL15 (kelch like family member 15; minus strand). Cytogenetic location: Xp22.11.
Variant type: single nucleotide variant.
Coding change: c.746G>A on transcript NM_030624.3 (MANE Select); coding-DNA position 746, G replaced by A.
Protein change: p.Arg249His; replaces arginine 249 with histidine.
Molecular consequence: missense variant.
Genome position (GRCh38, 1-based): chrX:23,988,990, C>T on the plus strand (G>A on the coding strand, the complement: KLHL15 is on the minus strand). VCF-style: chrX-23988990-C-T. GRCh37 (hg19) VCF-style: chrX-24007107-C-T.
Other names: short protein forms R249H.
Identifiers: ClinVar variation 4072454 (VCV004072454.1).
Genomic context (GRCh38, chrX:23,988,990, plus strand): 5'-TCCAACAAAGGCTGCTGGTGAACATTCTGAAAGTAATTCAATGCTTGGTCAACTTCGTAA[C>T]GGAGCTGTCGGGAGTATCTATAAAATTCTGATGTCTTAACCTAAGAACACAAGAAAAAGA-3'
Protein context (NP_085127.2, residues 239-259): SEFYRYSRQL[Arg249His]YEVDQALNYF

ClinVar aggregate classification (germline): Uncertain significance (1 of 4 stars; one submission).

gnomAD v4.1: 1 of 1,208,449 alleles (0.000083%); no homozygotes.

Submission:

GeneDx
Classification: Uncertain significance. Last evaluated: 2025-02-04. Review status: criteria provided, single submitter. Criteria: GeneDx Variant Classification Process June 2021. Collection method: clinical testing. Allele origin: germline. Affected: yes.
Comment: Not observed at significant frequency in large population cohorts (gnomAD); In silico analysis indicates that this missense variant does not alter protein structure/function; Has not been previously published as pathogenic or benign to our knowledge